The following is an entry in ClinVar:

ClinVar aggregate classification (germline): Likely pathogenic (1 of 4 stars; one submission).

Submission:

GeneDx
Classification: Likely pathogenic. Last evaluated: 2025-09-10. Review status: criteria provided, single submitter. Criteria: GeneDx Variant Classification Process June 2021. Collection method: clinical testing. Allele origin: germline.
Comment: Not observed at significant frequency in large population cohorts (gnomAD); In silico analysis supports that this missense variant has a deleterious effect on protein structure/function; Has not been previously published as pathogenic or benign to our knowledge

NM_003403.5(YY1):c.952C>T (p.His318Tyr)

Gene: YY1 (YY1 transcription factor; plus strand). Cytogenetic location: 14q32.2.
Variant type: single nucleotide variant.
Coding change: c.952C>T on transcript NM_003403.5 (MANE Select); coding-DNA position 952, C replaced by T.
Protein change: p.His318Tyr; replaces histidine 318 with tyrosine.
Molecular consequence: missense variant.
Genome position (GRCh38, 1-based): chr14:100,276,538, C>T. VCF-style: chr14-100276538-C-T. GRCh37 (hg19) VCF-style: chr14-100742875-C-T.
Other names: short protein forms H318Y.
Identifiers: ClinVar variation 2663419 (VCV002663419.2), dbSNP rs1891320903, ClinGen allele CA390968581.
Genomic context (GRCh38, chr14:100,276,538, plus strand): 5'-CTCTGTTTTAAGGGCTGCACAAAGATGTTCAGGGATAACTCGGCCATGAGAAAACATCTG[C>T]ACACCCACGGTCCCAGAGTCCACGTCTGTGCAGAATGTGGCAAAGCTTTTGTTGAGAGTT-3'
Protein context (NP_003394.1, residues 308-328): RDNSAMRKHL[His318Tyr]THGPRVHVCA